The following is an entry in ClinVar:

ClinVar aggregate classification (germline): Uncertain significance (1 of 4 stars; one submission).

Submission:

GeneDx
Classification: Uncertain significance. Last evaluated: 2019-08-29. Review status: criteria provided, single submitter. Criteria: GeneDx Variant Classification Process June 2021. Collection method: clinical testing. Allele origin: germline. Affected: yes.
Comment: Frameshift variant predicted to result in protein truncation or nonsense mediated decay in a gene for which loss-of-function is not a known mechanism of disease; Not observed in large population cohorts (Lek et al., 2016); Has not been previously published as pathogenic or benign to our knowledge

NM_001025295.3(IFITM5):c.39del (p.Thr14fs)

Gene: IFITM5 (interferon induced transmembrane protein 5; minus strand). Cytogenetic location: 11p15.5.
Variant type: Deletion.
Coding change: c.39del on transcript NM_001025295.3 (MANE Select); coding-DNA position 39, one base deleted (C; older notation c.39delC).
Protein change: p.Thr14fs; shifts the reading frame from threonine 14.
Molecular consequence: frameshift variant.
Genome position (GRCh38, 1-based): chr11:299,452, G deleted on the plus strand (C on the coding strand, the reverse complement: IFITM5 is on the minus strand); the first of 5 consecutive G bases (chr11:299,452-299,456); deleting any one gives the same sequence. VCF-style (leftmost placement, unchanged base first): chr11-299451-TG-T. GRCh37 (hg19) VCF-style: chr11-299451-TG-T.
Other names: short protein forms T14fs.
Identifiers: ClinVar variation 1310810 (VCV001310810.2), dbSNP rs2134037331, ClinGen allele CA2573053484.